The following is an entry in ClinVar:

NM_001242.5(CD27):c.101C>G (p.Ala34Gly)

Genes: CD27 (CD27 molecule; plus strand), CD27-AS1 (CD27 antisense RNA 1; minus strand). Cytogenetic location: 12p13.31.
Variant type: single nucleotide variant.
Coding change: c.101C>G on transcript NM_001242.5 (MANE Select); coding-DNA position 101, C replaced by G.
Protein change: p.Ala34Gly; replaces alanine 34 with glycine.
Molecular consequence: missense variant. On other transcripts: non-coding transcript variant (3), intron variant (3).
Genome position (GRCh38, 1-based): chr12:6,445,196, C>G. VCF-style: chr12-6445196-C-G. GRCh37 (hg19) VCF-style: chr12-6554362-C-G.
Other names: c.101C>G, p.Ala34Gly (NM_001413263.1, NM_001413264.1, NM_001413265.1); c.-402-228C>G (NM_001413267.1); c.-314-228C>G (NM_001413266.1, NM_001413268.1); short protein forms A34G.
Identifiers: ClinVar variation 4691009 (VCV004691009.1).

ClinVar aggregate classification (germline): Uncertain significance (1 of 4 stars; one submission).

Conditions:
Lymphoproliferative syndrome 2 (LPFS2). Also called: CD27 DEFICIENCY; Combined immunodeficiency due to CD27 deficiency. Identifiers: Orphanet 238505, MedGen C3554540, MONDO:0014054, OMIM 615122.

gnomAD v4.1: 50 of 1,613,580 alleles (0.0031%); highest among the groups gnomAD compares: East Asian, 0.11%; no homozygotes.

Submission:

Labcorp Genetics (formerly Invitae), Labcorp
Classification: Uncertain significance for Lymphoproliferative syndrome 2. Last evaluated: 2026-01-24. Review status: criteria provided, single submitter. Criteria: Invitae Variant Classification Sherloc (09022015). Collection method: clinical testing. Allele origin: germline.
Comment: This sequence change replaces alanine, which is neutral and non-polar, with glycine, which is neutral and non-polar, at codon 34 of the CD27 protein (p.Ala34Gly). This variant is not present in population databases (gnomAD no frequency). This variant has not been reported in the literature in individuals affected with CD27-related conditions. Invitae Evidence Modeling of protein sequence and biophysical properties (such as structural, functional, and spatial information, amino acid conservation, physicochemical variation, residue mobility, and thermodynamic stability) has been performed for this missense variant. However, the output from this modeling did not meet the statistical confidence thresholds required to predict the impact of this variant on CD27 protein function. In summary, the available evidence is currently insufficient to determine the role of this variant in disease. Therefore, it has been classified as a Variant of Uncertain Significance.